The following is an entry in ClinVar:

ClinVar aggregate classification (germline): Uncertain significance (1 of 4 stars; one submission).

Submission:

Labcorp Genetics (formerly Invitae), Labcorp
Classification: Uncertain significance. Last evaluated: 2021-12-26. Review status: criteria provided, single submitter. Criteria: Invitae Variant Classification Sherloc (09022015). Collection method: clinical testing. Allele origin: germline.
Comment: In summary, the available evidence is currently insufficient to determine the role of this variant in disease. Therefore, it has been classified as a Variant of Uncertain Significance. This variant has not been reported in the literature in individuals affected with PNPT1-related conditions. This variant results in a copy number gain of the genomic region encompassing exon(s) 1-13 of the PNPT1 gene. This region includes the initiator codon of the gene. This copy number gain extends beyond the assayed region for this gene and therefore may encompass additional genes. As the precise location of this event is unknown, it may be in tandem or it may be located elsewhere in the genome.

NC_000002.11:g.(?_55894106)_(55920958_?)dup

Gene: PNPT1 (polyribonucleotide nucleotidyltransferase 1; minus strand). Cytogenetic location: 2p16.1.
Variant type: Duplication.
Identifiers: ClinVar variation 2427122 (VCV002427122.4).